The following is an entry in ClinVar:

ClinVar aggregate classification (germline): Uncertain significance. Review status: criteria provided, multiple submitters, no conflicts (2 of 4 stars). 3 submissions from 3 submitters: Uncertain significance (3). Last evaluated 2024-10-04.

Conditions:
Neurofibromatosis, type 1 (NF1). Also called: Peripheral type neurofibromatosis; VON RECKLINGHAUSEN DISEASE; Neurofibromatosis, type I; NEUROFIBROMATOSIS, TYPE I, SOMATIC. Identifiers: Orphanet 636, MedGen C0027831, MONDO:0018975, OMIM 162200. Disease mechanism: loss of function.
Cardiovascular phenotype. Identifiers: MedGen CN230736.
Hereditary cancer-predisposing syndrome. Also called: Hereditary neoplastic syndrome; Neoplastic Syndromes, Hereditary; Hereditary Cancer Syndrome; Tumor predisposition. Identifiers: Orphanet 140162, MedGen C0027672, MeSH D009386, MONDO:0015356.

Allele frequency attached by ClinVar (database versions not stated): gnomAD exomes below 0.00001.

Submissions (3):

Ambry Genetics
Classification: Uncertain significance for Cardiovascular phenotype; Hereditary cancer-predisposing syndrome. Last evaluated: 2024-10-04. Review status: criteria provided, single submitter. Criteria: Ambry Variant Classification Scheme 2023. Collection method: clinical testing. Allele origin: germline.
Comment: The p.A548V variant (also known as c.1643C>T), located in coding exon 15 of the NF1 gene, results from a C to T substitution at nucleotide position 1643. The alanine at codon 548 is replaced by valine, an amino acid with similar properties. This amino acid position is highly conserved in available vertebrate species. In addition, the in silico prediction for this alteration is inconclusive. Since supporting evidence is limited at this time, the clinical significance of this alteration remains unclear.

Labcorp Genetics (formerly Invitae), Labcorp
Classification: Uncertain significance for Neurofibromatosis, type 1. Last evaluated: 2023-12-05. Review status: criteria provided, single submitter. Criteria: Invitae Variant Classification Sherloc (09022015). Collection method: clinical testing. Allele origin: germline.
Comment: This sequence change replaces alanine, which is neutral and non-polar, with valine, which is neutral and non-polar, at codon 548 of the NF1 protein (p.Ala548Val). This variant is not present in population databases (gnomAD no frequency). This variant has not been reported in the literature in individuals affected with NF1-related conditions. ClinVar contains an entry for this variant (Variation ID: 571565). An algorithm developed to predict the effect of missense changes on protein structure and function (PolyPhen-2) suggests that this variant is likely to be disruptive. In summary, the available evidence is currently insufficient to determine the role of this variant in disease. Therefore, it has been classified as a Variant of Uncertain Significance.

Genome-Nilou Lab
Classification: Uncertain significance for Neurofibromatosis, type 1. Last evaluated: 2022-03-15. Review status: criteria provided, single submitter. Criteria: ACMG Guidelines, 2015. Collection method: clinical testing. Allele origin: germline. Affected: no.

NM_001042492.3(NF1):c.1643C>T (p.Ala548Val)

Gene: NF1 (neurofibromin 1; plus strand). Cytogenetic location: 17q11.2.
Variant type: single nucleotide variant.
Coding change: c.1643C>T on transcript NM_001042492.3 (MANE Select); coding-DNA position 1643, C replaced by T.
Protein change: p.Ala548Val; replaces alanine 548 with valine.
Molecular consequence: missense variant.
Genome position (GRCh38, 1-based): chr17:31,221,851, C>T. VCF-style: chr17-31221851-C-T. GRCh37 (hg19) VCF-style: chr17-29548869-C-T.
Other names: c.1643C>T, p.Ala548Val (NM_000267.4, NM_001128147.3); short protein forms A548V.
Identifiers: ClinVar variation 571565 (VCV000571565.14), dbSNP rs1567844997, ClinGen allele CA399002216.